The following is an entry in ClinVar:

ClinVar aggregate classification (germline): Benign. Review status: criteria provided, multiple submitters, no conflicts (2 of 4 stars). 4 submissions from 3 submitters: Benign (4). Last evaluated 2018-06-18.

Conditions:
Cutis laxa. Identifiers: Orphanet 209, MedGen C0010495, MONDO:0016175, HP:0000973.
Macular degeneration, age-related, 3 (ARMD3). Identifiers: Orphanet 280598, MedGen C1837187, MONDO:0012145, OMIM 608895.

Allele frequency attached by ClinVar (database versions not stated): 1000 Genomes Project 30x 0.24703; 1000 Genomes Project 0.25080; TOPMed 0.25590; gnomAD 0.26340 and 0.26679; gnomAD exomes 0.33756.
gnomAD v4.1: 51,245 of 183,494 alleles (28%); highest among the groups gnomAD compares: South Asian, 38%; 7,381 homozygotes.

Submissions (4):

GeneDx
Classification: Benign. Last evaluated: 2018-06-18. Review status: criteria provided, single submitter. Criteria: GeneDx Variant Classification (06012015). Collection method: clinical testing. Allele origin: germline. Affected: yes.
Comment: This variant is considered likely benign or benign based on one or more of the following criteria: it is a conservative change, it occurs at a poorly conserved position in the protein, it is predicted to be benign by multiple in silico algorithms, and/or has population frequency not consistent with disease.

Illumina Laboratory Services, Illumina
Classification: Benign for Macular degeneration, age-related, 3. Last evaluated: 2018-01-13. Review status: criteria provided, single submitter. Criteria: ICSL Variant Classification Criteria 13 December 2019. Collection method: clinical testing. Allele origin: germline.
Comment: This variant was observed in the ICSL laboratory as part of a predisposition screen in an ostensibly healthy population. It had not been previously curated by ICSL or reported in the Human Gene Mutation Database (HGMD: prior to June 1st, 2018), and was therefore a candidate for classification through an automated scoring system. Utilizing variant allele frequency, disease prevalence and penetrance estimates, and inheritance mode, an automated score was calculated to assess if this variant is too frequent to cause the disease. Based on the score and internal cut-off values, a variant classified as benign is not then subjected to further curation. The score for this variant resulted in a classification of benign for this disease.

Illumina Laboratory Services, Illumina
Classification: Benign for Cutis laxa. Last evaluated: 2018-01-13. Review status: criteria provided, single submitter. Criteria: ICSL Variant Classification Criteria 13 December 2019. Collection method: clinical testing. Allele origin: germline.
Comment: the same text as in the submission from Illumina Laboratory Services, Illumina above.

Breakthrough Genomics
Classification: Benign. Review status: criteria provided, single submitter. Criteria: ACMG Guidelines, 2015. Collection method: not provided. Allele origin: germline. Inheritance: Autosomal recessive inheritance. Affected: yes.

NM_006329.4(FBLN5):c.-414C>T

Gene: FBLN5 (fibulin 5; minus strand). Cytogenetic location: 14q32.12.
Variant type: single nucleotide variant.
Coding change: c.-414C>T on transcript NM_006329.4 (MANE Select); 414 bases upstream of the start codon, C replaced by T.
Molecular consequence: 5 prime UTR variant.
Genome position (GRCh38, 1-based): chr14:91,947,643, G>A on the plus strand (C>T on the coding strand, the complement: FBLN5 is on the minus strand). VCF-style: chr14-91947643-G-A. GRCh37 (hg19) VCF-style: chr14-92413987-G-A.
Other names: c.-414C>T (NM_001384158.1, NM_001384160.1); c.-683C>T (NM_001384161.1, NM_001384162.1).
Identifiers: ClinVar variation 314890 (VCV000314890.7), dbSNP rs7149187, ClinGen allele CA10641291.